The following is an entry in ClinVar:

NM_020207.7(ERCC6L2):c.1719A>G (p.Thr573=)

Gene: ERCC6L2 (ERCC excision repair 6 like 2; plus strand). Cytogenetic location: 9q22.32.
Variant type: single nucleotide variant.
Coding change: c.1719A>G on transcript NM_020207.7 (MANE Select); coding-DNA position 1719, A replaced by G.
Protein change: p.Thr573=; no amino-acid change (threonine 573 retained).
Molecular consequence: synonymous variant. On other transcripts: non-coding transcript variant (1).
Genome position (GRCh38, 1-based): chr9:95,928,832, A>G. VCF-style: chr9-95928832-A-G. GRCh37 (hg19) VCF-style: chr9-98691114-A-G.
Other names: c.1719A>G, p.Thr573= (NM_001010895.4, NM_001375291.1, NM_001375292.1 and 2 more transcripts); c.1752A>G (NM_001010895.2).
Identifiers: ClinVar variation 1605367 (VCV001605367.10), dbSNP rs201825396, ClinGen allele CA5139657.

ClinVar aggregate classification (germline): Conflicting classifications of pathogenicity. Review status: criteria provided, conflicting classifications (1 of 4 stars). 3 submissions from 3 submitters: Uncertain significance (1); Likely benign (2). Last evaluated 2026-01-25.

Conditions:
Pancytopenia-developmental delay syndrome. Also called: Bone marrow failure syndrome 2. Identifiers: Orphanet 401764, MedGen C3810350, MONDO:0014317, OMIM 615715.
ERCC6L2-related disorder. Also called: ERCC6L2-related condition.

Allele frequency attached by ClinVar (database versions not stated): 1000 Genomes Project 30x 0.00047; ExAC 0.00006; gnomAD exomes 0.00006; gnomAD 0.00022 and 0.00024; TOPMed 0.00024; 1000 Genomes Project 0.00040.
gnomAD v4.1: 66 of 1,605,658 alleles (0.0041%); highest among the groups gnomAD compares: African/African-American, 0.076%; no homozygotes.

Submissions (3):

Labcorp Genetics (formerly Invitae), Labcorp
Classification: Likely benign. Last evaluated: 2026-01-25. Review status: criteria provided, single submitter. Criteria: Invitae Variant Classification Sherloc (09022015). Collection method: clinical testing. Allele origin: germline.

PreventionGenetics, part of Exact Sciences
Classification: Uncertain significance for ERCC6L2-related condition. Last evaluated: 2025-04-29. Review status: criteria provided, single submitter. Criteria: ACMG Guidelines, 2015. Collection method: clinical testing. Allele origin: germline.
Comment: The ERCC6L2 c.1752A>G variant is not predicted to result in an amino acid change (p.=). To our knowledge, this variant has not been reported in the literature. This variant is reported in 0.065% of alleles in individuals of African descent in gnomAD. Although we suspect that this variant may be benign, the clinical significance of this variant is classified as uncertain at this time due to insufficient functional and genetic evidence.

ARUP Laboratories, Molecular Genetics and Genomics, ARUP Laboratories
Classification: Likely benign for Pancytopenia-developmental delay syndrome. Last evaluated: 2024-12-20. Review status: criteria provided, single submitter. Criteria: ARUP Molecular Germline Variant Investigation Process 2024. Collection method: clinical testing. Allele origin: germline.